The following is an entry in ClinVar:

ClinVar aggregate classification (germline): Conflicting classifications of pathogenicity. Review status: criteria provided, conflicting classifications (1 of 4 stars). 2 submissions from 2 submitters: Uncertain significance (1); Likely benign (1). Last evaluated 2024-09-20.

Conditions:
Microcephaly 7, primary, autosomal recessive. Identifiers: Orphanet 2512, MedGen C2675187, MONDO:0012989, OMIM 612703.

Allele frequency attached by ClinVar (database versions not stated): ExAC 0.00003; gnomAD 0.00005 and 0.00006; gnomAD exomes 0.00007; TOPMed 0.00007; 1000 Genomes Project 30x 0.00016; 1000 Genomes Project 0.00020.
gnomAD v4.1: 77 of 1,614,172 alleles (0.0048%); highest among the groups gnomAD compares: Middle Eastern, 0.16%; no homozygotes.

Submissions (2):

3billion
Classification: Likely benign for Microcephaly 7, primary, autosomal recessive. Last evaluated: 2024-09-20. Review status: criteria provided, single submitter. Criteria: ACMG Guidelines, 2015. Collection method: clinical testing. Allele origin: germline. Affected: no.
Comment: The homozygous variant was found in patients diagnosed with another variant in a different gene, with no symptoms related to the gene containing the homozygous variant.

Labcorp Genetics (formerly Invitae), Labcorp
Classification: Uncertain significance. Last evaluated: 2022-08-10. Review status: criteria provided, single submitter. Criteria: Invitae Variant Classification Sherloc (09022015). Collection method: clinical testing. Allele origin: germline.
Comment: This sequence change replaces glutamine, which is neutral and polar, with histidine, which is basic and polar, at codon 891 of the STIL protein (p.Gln891His). This variant is present in population databases (rs200995168, gnomAD 0.02%). This variant has not been reported in the literature in individuals affected with STIL-related conditions. ClinVar contains an entry for this variant (Variation ID: 1418596). Algorithms developed to predict the effect of missense changes on protein structure and function (SIFT, PolyPhen-2, Align-GVGD) all suggest that this variant is likely to be tolerated. In summary, the available evidence is currently insufficient to determine the role of this variant in disease. Therefore, it has been classified as a Variant of Uncertain Significance.

NM_001048166.1(STIL):c.2676G>C (p.Gln892His)

Gene: STIL (STIL centriolar assembly protein; minus strand). Cytogenetic location: 1p33.
Variant type: single nucleotide variant.
Coding change: c.2676G>C on transcript NM_001048166.1 (MANE Select); coding-DNA position 2676, G replaced by C.
Protein change: p.Gln892His; replaces glutamine 892 with histidine.
Molecular consequence: missense variant.
Genome position (GRCh38, 1-based): chr1:47,263,056, C>G on the plus strand (G>C on the coding strand, the complement: STIL is on the minus strand). VCF-style: chr1-47263056-C-G. GRCh37 (hg19) VCF-style: chr1-47728728-C-G.
Other names: c.2673G>C, p.Gln891His (NM_001282936.1, NM_003035.2); c.2622G>C, p.Gln874His (NM_001282937.1); c.2535G>C, p.Gln845His (NM_001282938.1, NM_001377417.1); c.2481G>C, p.Gln827His (NM_001282939.1); short protein forms Q827H, Q845H, Q892H, Q874H, Q891H.
Identifiers: ClinVar variation 1418596 (VCV001418596.6), dbSNP rs200995168, ClinGen allele CA842117.